The following is an entry in ClinVar:

NM_004813.4(PEX16):c.*127C>T

Gene: PEX16 (peroxisomal biogenesis factor 16; minus strand). Cytogenetic location: 11p11.2.
Variant type: single nucleotide variant.
Coding change: c.*127C>T on transcript NM_004813.4 (MANE Select); 127 bases downstream of the stop codon, C replaced by T.
Molecular consequence: 3 prime UTR variant. On other transcripts: missense variant (1).
Genome position (GRCh38, 1-based): chr11:45,910,127, G>A on the plus strand (C>T on the coding strand, the complement: PEX16 is on the minus strand). VCF-style: chr11-45910127-G-A. GRCh37 (hg19) VCF-style: chr11-45931678-G-A.
Other names: c.1003C>T, p.Pro335Ser (NM_057174.3); short protein forms P335S.
Identifiers: ClinVar variation 3355203 (VCV003355203.1).
Genomic context (GRCh38, chr11:45,910,127, plus strand): 5'-GCATCGTCACAGGAGAGCGCAGTCAAGGGTGTCCTGGGAGGAACGCTGGTGGCGACCAGG[G>A]CTGTGTGTGGGGCCTGGCCGGTAGGCACGGAGAGGCCGCACGCTGGGACGCTGCCGGAGT-3'

ClinVar aggregate classification (germline): Uncertain significance (0 of 4 stars; one submission).

Conditions:
PEX16-related disorder. Also called: PEX16-related condition.

gnomAD v4.1: 17 of 1,611,656 alleles (0.0011%); highest among the groups gnomAD compares: Admixed American, 0.013%; no homozygotes.

Submission:

PreventionGenetics, part of Exact Sciences
Classification: Uncertain significance for PEX16-related condition. Last evaluated: 2024-04-22. Review status: no assertion criteria provided. Collection method: clinical testing. Allele origin: germline.
Comment: The PEX16 c.1003C>T variant is predicted to result in the amino acid substitution p.Pro335Ser. To our knowledge, this variant has not been reported in the literature. This variant is reported in 0.12% of alleles in individuals of Latino descent in gnomAD. At this time, the clinical significance of this variant is uncertain due to the absence of conclusive functional and genetic evidence.